The following is an entry in ClinVar:

ClinVar aggregate classification (germline): Uncertain significance (1 of 4 stars; one submission).

Submission:

GeneDx
Classification: Uncertain significance. Last evaluated: 2024-07-11. Review status: criteria provided, single submitter. Criteria: GeneDx Variant Classification Process June 2021. Collection method: clinical testing. Allele origin: germline. Affected: yes.
Comment: Not observed at significant frequency in large population cohorts (gnomAD); In silico analysis supports that this missense variant has a deleterious effect on protein structure/function; Has not been previously published as pathogenic or benign to our knowledge

NM_001081550.2(THOC2):c.85C>T (p.Arg29Trp)

Gene: THOC2 (THO complex subunit 2; minus strand). Cytogenetic location: Xq25.
Variant type: single nucleotide variant.
Coding change: c.85C>T on transcript NM_001081550.2 (MANE Select); coding-DNA position 85, C replaced by T.
Protein change: p.Arg29Trp; replaces arginine 29 with tryptophan.
Molecular consequence: missense variant.
Genome position (GRCh38, 1-based): chrX:123,712,895, G>A on the plus strand (C>T on the coding strand, the complement: THOC2 is on the minus strand). VCF-style: chrX-123712895-G-A. GRCh37 (hg19) VCF-style: chrX-122846745-G-A.
Other names: short protein forms R29W.
Identifiers: ClinVar variation 3572481 (VCV003572481.1).
Genomic context (GRCh38, chrX:123,712,895, plus strand): 5'-TTTTAAAAATCTTACCTCTGTATGTTGAACTATCATGGCTTTTATTTTCACTGAGGATCC[G>A]ACATAAATGCAAACTAGAATAAAATAGAAAACATGTATTTCAATTTCCACCCTAACATGA-3'
Protein context (NP_001075019.1, residues 19-39): SGRGEFLHLC[Arg29Trp]ILSENKSHDS